The following is an entry in ClinVar:

ClinVar aggregate classification (germline): Uncertain significance (1 of 4 stars; one submission).

Conditions:
Pulmonary fibrosis and/or bone marrow failure, Telomere-related, 3. Also called: PULMONARY FIBROSIS AND/OR BONE MARROW FAILURE SYNDROME, TELOMERE-RELATED, 3. Identifiers: Orphanet 2032, MedGen C4225346, MONDO:0014613, OMIM 616373.
Dyskeratosis congenita, autosomal recessive 5 (DKCB5). Identifiers: MedGen C3554656, MONDO:0014076, OMIM 615190.

Submission:

Labcorp Genetics (formerly Invitae), Labcorp
Classification: Uncertain significance for Dyskeratosis congenita, autosomal recessive 5; Pulmonary fibrosis and/or bone marrow failure, Telomere-related, 3. Last evaluated: 2024-04-01. Review status: criteria provided, single submitter. Criteria: Invitae Variant Classification Sherloc (09022015). Collection method: clinical testing. Allele origin: germline.
Comment: This sequence change replaces lysine, which is basic and polar, with glutamic acid, which is acidic and polar, at codon 626 of the RTEL1 protein (p.Lys626Glu). This variant is not present in population databases (gnomAD no frequency). This variant has not been reported in the literature in individuals affected with RTEL1-related conditions. An algorithm developed to predict the effect of missense changes on protein structure and function (PolyPhen-2) suggests that this variant is likely to be disruptive. In summary, the available evidence is currently insufficient to determine the role of this variant in disease. Therefore, it has been classified as a Variant of Uncertain Significance.

NM_001283009.2(RTEL1):c.1876A>G (p.Lys626Glu)

Genes: RTEL1 (regulator of telomere elongation helicase 1; plus strand), RTEL1-TNFRSF6B (RTEL1-TNFRSF6B readthrough (NMD candidate); plus strand). Cytogenetic location: 20q13.33.
Variant type: single nucleotide variant.
Coding change: c.1876A>G on transcript NM_001283009.2 (MANE Select); coding-DNA position 1876, A replaced by G.
Protein change: p.Lys626Glu; replaces lysine 626 with glutamic acid.
Molecular consequence: missense variant. On other transcripts: non-coding transcript variant (1).
Genome position (GRCh38, 1-based): chr20:63,689,130, A>G. VCF-style: chr20-63689130-A-G. GRCh37 (hg19) VCF-style: chr20-62320483-A-G.
Other names: c.1207A>G, p.Lys403Glu (NM_001283010.1); c.1876A>G, p.Lys626Glu (NM_016434.4); c.1948A>G, p.Lys650Glu (NM_032957.5); short protein forms K403E, K626E, K650E.
Identifiers: ClinVar variation 3753327 (VCV003753327.2).